The following is an entry in ClinVar:

NM_001197104.2(KMT2A):c.961A>C (p.Asn321His)

Gene: KMT2A (lysine methyltransferase 2A; plus strand). Cytogenetic location: 11q23.3.
Variant type: single nucleotide variant.
Coding change: c.961A>C on transcript NM_001197104.2 (MANE Select); coding-DNA position 961, A replaced by C.
Protein change: p.Asn321His; replaces asparagine 321 with histidine.
Molecular consequence: missense variant.
Genome position (GRCh38, 1-based): chr11:118,472,120, A>C. VCF-style: chr11-118472120-A-C. GRCh37 (hg19) VCF-style: chr11-118342835-A-C.
Other names: c.1060A>C, p.Asn354His (NM_001412597.1); c.961A>C, p.Asn321His (NM_005933.4); short protein forms N321H, N354H.
Identifiers: ClinVar variation 2881727 (VCV002881727.3), dbSNP rs1555035726, ClinGen allele CA382808624.

ClinVar aggregate classification (germline): Uncertain significance (1 of 4 stars; one submission).

Allele frequency attached by ClinVar (database versions not stated): gnomAD exomes below 0.00001.
gnomAD v4.1: 1 of 1,614,046 alleles (0.000062%); highest among the groups gnomAD compares: Non-Finnish European, 0.000085%; no homozygotes.

Submission:

Labcorp Genetics (formerly Invitae), Labcorp
Classification: Uncertain significance. Last evaluated: 2023-02-08. Review status: criteria provided, single submitter. Criteria: Invitae Variant Classification Sherloc (09022015). Collection method: clinical testing. Allele origin: germline.
Comment: In summary, the available evidence is currently insufficient to determine the role of this variant in disease. Therefore, it has been classified as a Variant of Uncertain Significance. Advanced modeling of protein sequence and biophysical properties (such as structural, functional, and spatial information, amino acid conservation, physicochemical variation, residue mobility, and thermodynamic stability) performed at Invitae indicates that this missense variant is not expected to disrupt KMT2A protein function. This variant has not been reported in the literature in individuals affected with KMT2A-related conditions. This variant is present in population databases (no rsID available, gnomAD 0.0009%). This sequence change replaces asparagine, which is neutral and polar, with histidine, which is basic and polar, at codon 321 of the KMT2A protein (p.Asn321His).